The following is an entry in ClinVar:

NM_001903.5(CTNNA1):c.402T>C (p.Ala134=)

Gene: CTNNA1 (catenin alpha 1; plus strand). Cytogenetic location: 5q31.2.
Variant type: single nucleotide variant.
Coding change: c.402T>C on transcript NM_001903.5 (MANE Select); coding-DNA position 402, T replaced by C.
Protein change: p.Ala134=; no amino-acid change (alanine 134 retained).
Molecular consequence: synonymous variant.
Genome position (GRCh38, 1-based): chr5:138,810,138, T>C. VCF-style: chr5-138810138-T-C. GRCh37 (hg19) VCF-style: chr5-138145827-T-C.
Other names: c.402T>C, p.Ala134= (NM_001290307.3, NM_001323982.2, NM_001323983.1 and 3 more transcripts); c.93T>C, p.Ala31= (NM_001290309.3); c.33T>C, p.Ala11= (NM_001290310.3); c.402T>C (NM_001903.2).
Identifiers: ClinVar variation 1580601 (VCV001580601.10), dbSNP rs1262642795, ClinGen allele CA446591025.

ClinVar aggregate classification (germline): Benign/Likely benign. Review status: criteria provided, multiple submitters, no conflicts (2 of 4 stars). 3 submissions from 3 submitters: Benign (1); Likely benign (2). Last evaluated 2025-10-06.

Conditions:
Hereditary cancer-predisposing syndrome. Also called: Neoplastic Syndromes, Hereditary; Hereditary neoplastic syndrome; Hereditary Cancer Syndrome; Tumor predisposition. Identifiers: Orphanet 140162, MedGen C0027672, MeSH D009386, MONDO:0015356.
Hereditary diffuse gastric adenocarcinoma (HDGC). Also called: DIFFUSE GASTRIC AND LOBULAR BREAST CANCER SYNDROME. Identifiers: Orphanet 26106, MedGen C1708349, MONDO:0007648, OMIM 137215.

Allele frequency attached by ClinVar (database versions not stated): gnomAD exomes below 0.00001; gnomAD 0.00001; TOPMed 0.00001.
gnomAD v4.1: 3 of 1,614,066 alleles (0.00019%); highest among the groups gnomAD compares: African/African-American, 0.004%; no homozygotes.

Submissions (3):

Ambry Genetics
Classification: Likely benign for Hereditary cancer-predisposing syndrome. Last evaluated: 2025-10-06. Review status: criteria provided, single submitter. Criteria: Ambry Variant Classification Scheme 2023. Collection method: clinical testing. Allele origin: germline.

Myriad Genetics, Inc.
Classification: Benign for Hereditary diffuse gastric adenocarcinoma. Last evaluated: 2024-10-09. Review status: criteria provided, single submitter. Criteria: Myriad Autosomal Dominant, Autosomal Recessive and X-Linked Classification Criteria (2023). Collection method: clinical testing. Allele origin: unknown.
Comment: This variant is considered benign. This variant is a silent/synonymous amino acid change and it is not expected to impact splicing.

Labcorp Genetics (formerly Invitae), Labcorp
Classification: Likely benign. Last evaluated: 2024-07-30. Review status: criteria provided, single submitter. Criteria: Invitae Variant Classification Sherloc (09022015). Collection method: clinical testing. Allele origin: germline.